The following is an entry in ClinVar:

ClinVar aggregate classification (germline): Pathogenic (1 of 4 stars; one submission).

Conditions:
Granulomatous disease, chronic, X-linked. Also called: CYTOCHROME b-NEGATIVE GRANULOMATOUS DISEASE, CHRONIC, X-LINKED; GRANULOMATOUS DISEASE, CHRONIC, X-LINKED, SOMATIC MOSAIC. Identifiers: Orphanet 379, MedGen C1844376, MONDO:0010600, OMIM 306400.

Submission:

Labcorp Genetics (formerly Invitae), Labcorp
Classification: Pathogenic for Granulomatous disease, chronic, X-linked. Last evaluated: 2020-02-27. Review status: criteria provided, single submitter. Criteria: Invitae Variant Classification Sherloc (09022015). Collection method: clinical testing. Allele origin: germline.
Comment: For these reasons, this variant has been classified as Pathogenic. This sequence change affects an acceptor splice site in intron 1 of the CYBB gene. It is expected to disrupt RNA splicing and likely results in an absent or disrupted protein product. This variant is not present in population databases (ExAC no frequency). Variants at this acceptor site have been observed in individual(s) with chronic granulomatous disease(PMID: 11162142, 1520880). Algorithms developed to predict the effect of sequence changes on RNA splicing suggest that this variant may disrupt the consensus splice site, but this prediction has not been confirmed by published transcriptional studies. Donor and acceptor splice site variants typically lead to a loss of protein function (PMID: 16199547), and loss-of-function variants in CYBB are known to be pathogenic (PMID: 9585602, 20729109).

Literature cited by the submitters: PubMed 11162142 (cited by Labcorp Genetics (formerly Invitae), Labcorp); PubMed 1520880 (cited by Labcorp Genetics (formerly Invitae), Labcorp); PubMed 16199547 (cited by Labcorp Genetics (formerly Invitae), Labcorp); PubMed 9585602 (cited by Labcorp Genetics (formerly Invitae), Labcorp); PubMed 20729109 (cited by Labcorp Genetics (formerly Invitae), Labcorp).

NM_000397.4(CYBB):c.46-2A>T

Gene: CYBB (cytochrome b-245 beta chain; plus strand). Cytogenetic location: Xp21.1.
Variant type: single nucleotide variant.
Coding change: c.46-2A>T on transcript NM_000397.4 (MANE Select); the canonical splice acceptor site of the intron before coding-DNA position 46, A replaced by T.
Molecular consequence: splice acceptor variant.
Genome position (GRCh38, 1-based): chrX:37,782,086, A>T. VCF-style: chrX-37782086-A-T. GRCh37 (hg19) VCF-style: chrX-37641339-A-T.
Identifiers: ClinVar variation 1074351 (VCV001074351.11), dbSNP rs2146803092, ClinGen allele CA412972234.
Genomic context (GRCh38, chrX:37,782,086, plus strand): 5'-GTCTTGTGTGGAATCTACTGTGGAAATGCGGAAACTTCATGCAATTATTTCTGTTTGTGC[A>T]GCTGGTTTGGCTGGGGTTGAACGTCTTCCTCTTTGTCTGGTATTACCGGGTTTATGATAT-3'